The following is an entry in ClinVar:

NM_004656.4(BAP1):c.1983+1G>C

Gene: BAP1 (BRCA1 associated deubiquitinase 1; minus strand). Cytogenetic location: 3p21.1.
Variant type: single nucleotide variant.
Coding change: c.1983+1G>C on transcript NM_004656.4 (MANE Select); the canonical splice donor site of the intron after coding-DNA position 1983, G replaced by C.
Molecular consequence: splice donor variant.
Genome position (GRCh38, 1-based): chr3:52,402,778, C>G on the plus strand (G>C on the coding strand, the complement: BAP1 is on the minus strand). VCF-style: chr3-52402778-C-G. GRCh37 (hg19) VCF-style: chr3-52436794-C-G.
Other names: c.1929+1G>C (NM_001410772.1).
Identifiers: ClinVar variation 3638791 (VCV003638791.2).

ClinVar aggregate classification (germline): Likely pathogenic (1 of 4 stars; one submission).

Conditions:
BAP1-related tumor predisposition syndrome (TPDS1). Also called: BAP1 tumor predisposition syndrome; Tumor susceptibility linked to germline BAP1 mutations; COMMON Syndrome; TUMOR PREDISPOSITION SYNDROME 1. Identifiers: Orphanet 289539, MedGen C3280492, MONDO:0013692, OMIM 614327.

Submission:

Labcorp Genetics (formerly Invitae), Labcorp
Classification: Likely pathogenic for BAP1-related tumor predisposition syndrome. Last evaluated: 2024-02-04. Review status: criteria provided, single submitter. Criteria: Invitae Variant Classification Sherloc (09022015). Collection method: clinical testing. Allele origin: germline.
Comment: This sequence change affects a donor splice site in intron 15 of the BAP1 gene. It is expected to disrupt RNA splicing. Variants that disrupt the donor or acceptor splice site typically lead to a loss of protein function (PMID: 16199547), and loss-of-function variants in BAP1 are known to be pathogenic (PMID: 21874000, 23684012). This variant is not present in population databases (gnomAD no frequency). This variant has not been reported in the literature in individuals affected with BAP1-related conditions. Algorithms developed to predict the effect of sequence changes on RNA splicing suggest that this variant may disrupt the consensus splice site. In summary, the currently available evidence indicates that the variant is pathogenic, but additional data are needed to prove that conclusively. Therefore, this variant has been classified as Likely Pathogenic.

Literature cited by the submitters: PubMed 16199547; PubMed 21874000; PubMed 23684012.